The following is an entry in ClinVar:

NM_002734.5(PRKAR1A):c.427G>A (p.Asp143Asn)

Gene: PRKAR1A (protein kinase cAMP-dependent type I regulatory subunit alpha; plus strand). Cytogenetic location: 17q24.2.
Variant type: single nucleotide variant.
Coding change: c.427G>A on transcript NM_002734.5 (MANE Select); coding-DNA position 427, G replaced by A.
Protein change: p.Asp143Asn; replaces aspartic acid 143 with asparagine.
Molecular consequence: missense variant.
Genome position (GRCh38, 1-based): chr17:68,523,803, G>A. VCF-style: chr17-68523803-G-A. GRCh37 (hg19) VCF-style: chr17-66519944-G-A.
Other names: c.427G>A, p.Asp143Asn (NM_001276289.2, NM_001276290.1, NM_001278433.2 and 4 more transcripts); short protein forms D143N.
Identifiers: ClinVar variation 3425070 (VCV003425070.1).
Genomic context (GRCh38, chr17:68,523,803, plus strand): 5'-AAGACAATGGCCGCTTTAGCCAAAGCCATTGAAAAGAATGTGCTGTTTTCACATCTTGAT[G>A]ATAATGAGAGAAGGTAGGAACAGGCTCTTTCTTAACACTATTTTTCAAGTAAGGGTGTGA-3'
Protein context (NP_002725.1, residues 133-153): EKNVLFSHLD[Asp143Asn]NERSDIFDAM

ClinVar aggregate classification (germline): Uncertain significance (1 of 4 stars; one submission).

Conditions:
Hereditary cancer-predisposing syndrome. Also called: Neoplastic Syndromes, Hereditary; Tumor predisposition; Hereditary Cancer Syndrome; Hereditary neoplastic syndrome. Identifiers: Orphanet 140162, MedGen C0027672, MeSH D009386, MONDO:0015356.

Submission:

Ambry Genetics
Classification: Uncertain significance for Hereditary cancer-predisposing syndrome. Last evaluated: 2024-10-06. Review status: criteria provided, single submitter. Criteria: Ambry Variant Classification Scheme 2023. Collection method: clinical testing. Allele origin: germline.
Comment: The p.D143N variant (also known as c.427G>A), located in coding exon 3 of the PRKAR1A gene, results from a G to A substitution at nucleotide position 427. The aspartic acid at codon 143 is replaced by asparagine, an amino acid with highly similar properties. This amino acid position is conserved. In addition, the in silico prediction for this alteration is inconclusive. Based on the available evidence, the clinical significance of this variant remains unclear.